The following is an entry in ClinVar:

NM_058216.3(RAD51C):c.112C>G (p.Leu38Val)

Gene: RAD51C (RAD51 paralog C; plus strand). Cytogenetic location: 17q22.
Variant type: single nucleotide variant.
Coding change: c.112C>G on transcript NM_058216.3 (MANE Select); coding-DNA position 112, C replaced by G.
Protein change: p.Leu38Val; replaces leucine 38 with valine.
Molecular consequence: missense variant. On other transcripts: non-coding transcript variant (1).
Genome position (GRCh38, 1-based): chr17:58,692,755, C>G. VCF-style: chr17-58692755-C-G. GRCh37 (hg19) VCF-style: chr17-56770116-C-G.
Other names: c.112C>G, p.Leu38Val (NM_002876.4); short protein forms L38V.
Identifiers: ClinVar variation 4699550 (VCV004699550.1).

ClinVar aggregate classification (germline): Uncertain significance (1 of 4 stars; one submission).

Conditions:
Fanconi anemia complementation group O. Also called: RAD51C-Related Fanconi Anemia. Identifiers: Orphanet 84, MedGen C3150653, MONDO:0013248, OMIM 613390.

Submission:

Labcorp Genetics (formerly Invitae), Labcorp
Classification: Uncertain significance for Fanconi anemia complementation group O. Last evaluated: 2025-02-09. Review status: criteria provided, single submitter. Criteria: Invitae Variant Classification Sherloc (09022015). Collection method: clinical testing. Allele origin: germline.
Comment: This sequence change replaces leucine, which is neutral and non-polar, with valine, which is neutral and non-polar, at codon 38 of the RAD51C protein (p.Leu38Val). This variant is not present in population databases (gnomAD no frequency). This variant has not been reported in the literature in individuals affected with RAD51C-related conditions. Invitae Evidence Modeling of protein sequence and biophysical properties (such as structural, functional, and spatial information, amino acid conservation, physicochemical variation, residue mobility, and thermodynamic stability) indicates that this missense variant is not expected to disrupt RAD51C protein function with a negative predictive value of 80%. In summary, the available evidence is currently insufficient to determine the role of this variant in disease. Therefore, it has been classified as a Variant of Uncertain Significance.